The following is an entry in ClinVar:

NM_000059.4(BRCA2):c.6818G>A (p.Arg2273Lys)

Gene: BRCA2 (BRCA2 DNA repair associated; plus strand). Cytogenetic location: 13q13.1.
Variant type: single nucleotide variant.
Coding change: c.6818G>A on transcript NM_000059.4 (MANE Select); coding-DNA position 6818, G replaced by A.
Protein change: p.Arg2273Lys; replaces arginine 2273 with lysine.
Molecular consequence: missense variant.
Genome position (GRCh38, 1-based): chr13:32,341,173, G>A. VCF-style: chr13-32341173-G-A. GRCh37 (hg19) VCF-style: chr13-32915310-G-A.
Other names: short protein forms R2273K.
Identifiers: ClinVar variation 142005 (VCV000142005.32), dbSNP rs587782174, ClinGen allele CA024446.

ClinVar aggregate classification (germline): Conflicting classifications of pathogenicity. Review status: criteria provided, conflicting classifications (1 of 4 stars). 8 submissions from 8 submitters: Uncertain significance (6); Likely benign (1). 1 of the submissions does not count toward it. Last evaluated 2025-10-23.

Conditions:
Familial cancer of breast. Also called: hereditary breast carcinoma; BREAST CANCER, FAMILIAL; Hereditary breast cancer. Identifiers: Orphanet 227535, MedGen C0346153, MONDO:0016419, OMIM 114480. Disease mechanism: loss of function.
Breast-ovarian cancer, familial, susceptibility to, 2 (BROVCA2). Also called: BRCA2 Hereditary Breast and Ovarian Cancer. Identifiers: Orphanet 145, MedGen C2675520, MONDO:0012933, OMIM 612555. Disease mechanism: loss of function.
Fanconi anemia complementation group D1. Also called: BRCA2-Related Fanconi Anemia. Identifiers: Orphanet 319462, MedGen C1838457, MONDO:0011584, OMIM 605724.
Medulloblastoma (MDB). Also called: Medulloblastoma, somatic; MEDULLOBLASTOMA PREDISPOSITION SYNDROME. Identifiers: Orphanet 616, MedGen C0025149, MeSH D008527, MONDO:0007959, OMIM 155255, HP:0002885.
Prostate cancer. Also called: Malignant tumor of prostate. Identifiers: Orphanet 1331, MedGen C0376358, MONDO:0008315, HP:0012125.
Wilms tumor 1 (WT1). Also called: Wilms tumor, somatic. Identifiers: Orphanet 654, MedGen CN033288, MONDO:0008679, OMIM 194070.
Pancreatic cancer, susceptibility to, 2. Identifiers: Orphanet 1333, MedGen C3150546, MONDO:0013235, OMIM 613347.
Glioma susceptibility 3 (GLM3). Also called: Glioblastoma 3. Identifiers: Orphanet 182067, Orphanet 360, MedGen C2751641, MONDO:0013093, OMIM 613029.
Hereditary cancer-predisposing syndrome. Also called: Neoplastic Syndromes, Hereditary; Hereditary neoplastic syndrome; Hereditary Cancer Syndrome; Tumor predisposition. Identifiers: Orphanet 140162, MedGen C0027672, MeSH D009386, MONDO:0015356.
Hereditary breast ovarian cancer syndrome. Also called: BRCA1- and BRCA2-Associated Hereditary Breast and Ovarian Cancer; Hereditary breast and ovarian cancer syndrome; Hereditary breast and ovarian cancer syndrome (HBOC); Hereditary breast and ovarian cancer; Breast and ovarian cancer; Hereditary breast and/or ovarian cancer syndrome. Identifiers: Orphanet 145, MedGen C0677776, MeSH D061325, MONDO:0003582. Disease mechanism: loss of function.

Allele frequency attached by ClinVar (database versions not stated): gnomAD exomes 0.00005.
gnomAD v4.1: 66 of 1,613,936 alleles (0.0041%); highest among the groups gnomAD compares: Non-Finnish European, 0.0056%; no homozygotes.

Submissions (8):

Ambry Genetics
Classification: Uncertain significance for Hereditary cancer-predisposing syndrome. Last evaluated: 2025-10-23. Review status: criteria provided, single submitter. Criteria: Ambry Variant Classification Scheme 2023. Collection method: clinical testing. Allele origin: germline.
Comment: The p.R2273K variant (also known as c.6818G>A), located in coding exon 10 of the BRCA2 gene, results from a G to A substitution at nucleotide position 6818. The arginine at codon 2273 is replaced by lysine, an amino acid with highly similar properties. This variant was observed in 1/3251 individuals who met eligibility criteria for hereditary breast and ovarian cancer syndrome (Lerner-Ellis J et al. J Cancer Res Clin Oncol, 2021 Mar;147:871-879). This amino acid position is well conserved in available vertebrate species. In addition, the in silico prediction for this alteration is inconclusive. Since supporting evidence is limited at this time, the clinical significance of this alteration remains unclear.

Dasa
Classification: Uncertain significance for Breast-ovarian cancer, familial, susceptibility to, 2. Last evaluated: 2025-01-13. Review status: criteria provided, single submitter. Criteria: DASA Assertion Criteria. Collection method: clinical testing. Allele origin: germline.
Comment: NM_000059.4(BRCA2):c.6818G>A (p.Arg2273Lys) is a missense variant that results in the substitution of arginine with lysine. This variant is rare in population databases. The currently available literature and clinical evidence are not sufficient to establish a definitive association between this variant and the reported condition. Therefore, this variant is classified as a variant of uncertain significance.

GeneDx
Classification: Uncertain significance. Last evaluated: 2024-12-23. Review status: criteria provided, single submitter. Criteria: GeneDx Variant Classification Process June 2021. Collection method: clinical testing. Allele origin: germline.
Comment: Observed in an individual with cutaneous melanoma and other cancers and in an individual with endometrial cancer and a family history suggestive of hereditary breast/ovarian cancer (PMID: 29641532, 32885271); Not observed at significant frequency in large population cohorts (gnomAD); In silico analysis indicates that this missense variant does not alter protein structure/function; Also known as 7046G>A; This variant is associated with the following publications: (PMID: 32377563, 31911673, 29884841, 29641532, 32885271)

Labcorp Genetics (formerly Invitae), Labcorp
Classification: Uncertain significance for Hereditary breast ovarian cancer syndrome. Last evaluated: 2024-09-17. Review status: criteria provided, single submitter. Criteria: Invitae Variant Classification Sherloc (09022015). Collection method: clinical testing. Allele origin: germline.
Comment: This sequence change replaces arginine, which is basic and polar, with lysine, which is basic and polar, at codon 2273 of the BRCA2 protein (p.Arg2273Lys). This variant is not present in population databases (gnomAD no frequency). This missense change has been observed in individual(s) with breast cancer (PMID: 32885271). ClinVar contains an entry for this variant (Variation ID: 142005). Invitae Evidence Modeling of protein sequence and biophysical properties (such as structural, functional, and spatial information, amino acid conservation, physicochemical variation, residue mobility, and thermodynamic stability) indicates that this missense variant is not expected to disrupt BRCA2 protein function with a negative predictive value of 95%. In summary, the available evidence is currently insufficient to determine the role of this variant in disease. Therefore, it has been classified as a Variant of Uncertain Significance.

University of Washington Department of Laboratory Medicine, University of Washington
Classification: Likely benign for Hereditary cancer-predisposing syndrome. Last evaluated: 2023-03-23. Review status: criteria provided, single submitter. Criteria: Dines et al. (Genet Med. 2020). Collection method: curation. Allele origin: germline.
Comment: Missense variant in a coldspot region where missense variants are very unlikely to be pathogenic (PMID:31911673).

BRCA2 exon 11 coldspot. Reclassification based on statistical prior probability.

Color Diagnostics, LLC DBA Color Health
Classification: Uncertain significance for Hereditary cancer-predisposing syndrome. Last evaluated: 2023-01-23. Review status: criteria provided, single submitter. Criteria: ACMG Guidelines, 2015. Collection method: clinical testing. Allele origin: germline.
Comment: This missense variant replaces arginine with lysine at codon 2273 of the BRCA2 protein. Computational prediction suggests that this variant may not impact protein structure and function (internally defined REVEL score threshold <= 0.5, PMID: 27666373). To our knowledge, functional studies have not been reported for this variant. This variant has been reported in an individual affected with endometrial cancer with a family history of breast and/or ovarian cancer (PMID: 32885271). This variant has not been identified in the general population by the Genome Aggregation Database (gnomAD). The available evidence is insufficient to determine the role of this variant in disease conclusively. Therefore, this variant is classified as a Variant of Uncertain Significance.

Fulgent Genetics
Classification: Uncertain significance for Familial cancer of breast; Medulloblastoma; Familial prostate cancer; Wilms tumor 1; Fanconi anemia complementation group D1; Breast-ovarian cancer, familial, susceptibility to, 2; Glioma susceptibility 3; Pancreatic cancer, susceptibility to, 2. Last evaluated: 2018-10-31. Review status: criteria provided, single submitter. Criteria: ACMG Guidelines, 2015. Collection method: clinical testing. Allele origin: unknown.

Department of Pathology and Laboratory Medicine, Sinai Health System
Classification: Uncertain significance. Review status: no assertion criteria provided. Collection method: clinical testing. Allele origin: unknown. Affected: yes. Study: The Canadian Open Genetics Repository (COGR). Not counted in ClinVar's aggregate classification.
Comment: The BRCA2 p.Arg2273Lys variant was identified in the literature however the frequency of this variant in an affected population was not provided (Neveling_2017_27974384). The variant was also identified in dbSNP (ID: rs587782174) as â€šÃ„ÃºWith Uncertain significance allele,â€šÃ„Ã¹ ClinVar (as uncertain significance by Ambry Genetics, and previously reported by Mount Sinai), Clinvitae (2x as uncertain significance), GeneInsight-COGR (as uncertain significance as previously reported by Mount Sinai), and Cosmic (1x in urinary tract tumour) databases. The variant was not identified in MutDB, LOVD 3.0, UMD-LSDB, BIC Database, or ARUP Laboratories databases. The variant was not identified in the following control databases: the 1000 Genomes Project, the NHLBI GO Exome Sequencing Project, the Exome Aggregation Consortium (August 8th 2016), or the Genome Aggregation Database (Feb 27, 2017). The p.Arg2273 residue is not conserved in mammals and the variant amino acid Lysine (Lys) is present in fishes, increasing the likelihood that this variant does not have clinical significance. Computational analyses (PolyPhen-2, SIFT, AlignGVGD, BLOSUM, MutationTaster) do not suggest a high likelihood of impact to the protein; however, this information is not predictive enough to rule out pathogenicity. In summary, based on the above information the clinical significance of this variant cannot be determined with certainty at this time. This variant is classified as a variant of uncertain significance.

Literature cited by the submitters: PubMed 32885271 (cited by 3 submitters).